The following is an entry in ClinVar:

NM_006005.3(WFS1):c.1840A>G (p.Thr614Ala)

Gene: WFS1 (wolframin ER transmembrane glycoprotein; plus strand). Cytogenetic location: 4p16.1.
Variant type: single nucleotide variant.
Coding change: c.1840A>G on transcript NM_006005.3 (MANE Select); coding-DNA position 1840, A replaced by G.
Protein change: p.Thr614Ala; replaces threonine 614 with alanine.
Molecular consequence: missense variant.
Genome position (GRCh38, 1-based): chr4:6,301,635, A>G. VCF-style: chr4-6301635-A-G. GRCh37 (hg19) VCF-style: chr4-6303362-A-G.
Other names: c.1840A>G, p.Thr614Ala (NM_001145853.1); short protein forms T614A.
Identifiers: ClinVar variation 1719380 (VCV001719380.5), dbSNP rs1199670243, ClinGen allele CA356176939.

ClinVar aggregate classification (germline): Uncertain significance (1 of 4 stars; one submission).

Submission:

Labcorp Genetics (formerly Invitae), Labcorp
Classification: Uncertain significance. Last evaluated: 2022-09-14. Review status: criteria provided, single submitter. Criteria: Invitae Variant Classification Sherloc (09022015). Collection method: clinical testing. Allele origin: germline.
Comment: In summary, the available evidence is currently insufficient to determine the role of this variant in disease. Therefore, it has been classified as a Variant of Uncertain Significance. Advanced modeling of protein sequence and biophysical properties (such as structural, functional, and spatial information, amino acid conservation, physicochemical variation, residue mobility, and thermodynamic stability) performed at Invitae indicates that this missense variant is not expected to disrupt WFS1 protein function. This variant has not been reported in the literature in individuals affected with WFS1-related conditions. This variant is not present in population databases (gnomAD no frequency). This sequence change replaces threonine, which is neutral and polar, with alanine, which is neutral and non-polar, at codon 614 of the WFS1 protein (p.Thr614Ala).